The following is an entry in ClinVar:

ClinVar aggregate classification (germline): Uncertain significance (1 of 4 stars; one submission).

gnomAD v4.1: 2 of 1,613,178 alleles (0.00012%); highest among the groups gnomAD compares: Non-Finnish European, 0.00017%; no homozygotes.

Submission:

Labcorp Genetics (formerly Invitae), Labcorp
Classification: Uncertain significance. Last evaluated: 2024-11-29. Review status: criteria provided, single submitter. Criteria: Invitae Variant Classification Sherloc (09022015). Collection method: clinical testing. Allele origin: germline.
Comment: This sequence change replaces isoleucine, which is neutral and non-polar, with leucine, which is neutral and non-polar, at codon 159 of the COL11A1 protein (p.Ile159Leu). This variant is not present in population databases (gnomAD no frequency). This variant has not been reported in the literature in individuals affected with COL11A1-related conditions. Invitae Evidence Modeling of protein sequence and biophysical properties (such as structural, functional, and spatial information, amino acid conservation, physicochemical variation, residue mobility, and thermodynamic stability) indicates that this missense variant is not expected to disrupt COL11A1 protein function with a negative predictive value of 95%. In summary, the available evidence is currently insufficient to determine the role of this variant in disease. Therefore, it has been classified as a Variant of Uncertain Significance.

NM_001854.4(COL11A1):c.475A>C (p.Ile159Leu)

Gene: COL11A1 (collagen type XI alpha 1 chain; minus strand). Cytogenetic location: 1p21.1.
Variant type: single nucleotide variant.
Coding change: c.475A>C on transcript NM_001854.4 (MANE Select); coding-DNA position 475, A replaced by C.
Protein change: p.Ile159Leu; replaces isoleucine 159 with leucine.
Molecular consequence: missense variant. On other transcripts: non-coding transcript variant (1).
Genome position (GRCh38, 1-based): chr1:103,078,671, T>G on the plus strand (A>C on the coding strand, the complement: COL11A1 is on the minus strand). VCF-style: chr1-103078671-T-G. GRCh37 (hg19) VCF-style: chr1-103544227-T-G.
Other names: c.475A>C, p.Ile159Leu (NM_001190709.2, NM_080629.3, NM_080630.4); short protein forms I159L.
Identifiers: ClinVar variation 3691144 (VCV003691144.2).